The following is an entry in ClinVar:

NM_001868.4(CPA1):c.658G>C (p.Val220Leu)

Gene: CPA1 (carboxypeptidase A1; plus strand). Cytogenetic location: 7q32.2.
Variant type: single nucleotide variant.
Coding change: c.658G>C on transcript NM_001868.4 (MANE Select); coding-DNA position 658, G replaced by C.
Protein change: p.Val220Leu; replaces valine 220 with leucine.
Molecular consequence: missense variant.
Genome position (GRCh38, 1-based): chr7:130,383,756, G>C. VCF-style: chr7-130383756-G-C. GRCh37 (hg19) VCF-style: chr7-130023597-G-C.
Other names: short protein forms V220L.
Identifiers: ClinVar variation 1754350 (VCV001754350.3), dbSNP rs1554411595, ClinGen allele CA369282783.
Genomic context (GRCh38, chr7:130,383,756, plus strand): 5'-TACGGGCAGGATGCAGCTTTCACCGCCATTCTCGACACCTTGGACATCTTCCTGGAGATC[G>C]TCACCAACCCTGATGGCTTTGCCTTCACGCACAGCACGGTACCGGCCTTCTCCTGTCCTT-3'
Protein context (NP_001859.1, residues 210-230): LDTLDIFLEI[Val220Leu]TNPDGFAFTH

ClinVar aggregate classification (germline): Uncertain significance (1 of 4 stars; one submission).

Conditions:
Hereditary pancreatitis (PCTT). Also called: Hereditary chronic pancreatitis; PRSS1-Related Hereditary Pancreatitis. Identifiers: Orphanet 676, MedGen C0238339, MONDO:0008185, OMIM 167800.

Submission:

Ambry Genetics
Classification: Uncertain significance for Hereditary pancreatitis. Last evaluated: 2024-12-21. Review status: criteria provided, single submitter. Criteria: Ambry Variant Classification Scheme 2023. Collection method: clinical testing. Allele origin: germline.
Comment: The p.V220L variant (also known as c.658G>C), located in coding exon 6 of the CPA1 gene, results from a G to C substitution at nucleotide position 658. The valine at codon 220 is replaced by leucine, an amino acid with highly similar properties. This amino acid position is conserved. In addition, this alteration is predicted to be tolerated by in silico analysis. Since supporting evidence is limited at this time, the clinical significance of this alteration remains unclear.